The following is an entry in ClinVar:

NM_002691.4(POLD1):c.2275G>T (p.Val759Phe)

Gene: POLD1 (DNA polymerase delta 1, catalytic subunit; plus strand). Cytogenetic location: 19q13.33.
Variant type: single nucleotide variant.
Coding change: c.2275G>T on transcript NM_002691.4 (MANE Select); coding-DNA position 2275, G replaced by T.
Protein change: p.Val759Phe; replaces valine 759 with phenylalanine.
Molecular consequence: missense variant. On other transcripts: non-coding transcript variant (1).
Genome position (GRCh38, 1-based): chr19:50,413,766, G>T. VCF-style: chr19-50413766-G-T. GRCh37 (hg19) VCF-style: chr19-50917023-G-T.
Other names: c.2275G>T, p.Val759Phe (NM_001256849.1); c.2353G>T, p.Val785Phe (NM_001308632.1); short protein forms V785F, V759F.
Identifiers: ClinVar variation 3935539 (VCV003935539.1).

ClinVar aggregate classification (germline): Uncertain significance (1 of 4 stars; one submission).

Conditions:
Hereditary cancer-predisposing syndrome. Also called: Tumor predisposition; Hereditary neoplastic syndrome; Hereditary Cancer Syndrome; Neoplastic Syndromes, Hereditary. Identifiers: Orphanet 140162, MedGen C0027672, MeSH D009386, MONDO:0015356.

Submission:

Ambry Genetics
Classification: Uncertain significance for Hereditary cancer-predisposing syndrome. Last evaluated: 2025-03-27. Review status: criteria provided, single submitter. Criteria: Ambry Variant Classification Scheme 2023. Collection method: clinical testing. Allele origin: germline.
Comment: The p.V759F variant (also known as c.2275G>T), located in coding exon 18 of the POLD1 gene, results from a G to T substitution at nucleotide position 2275. The valine at codon 759 is replaced by phenylalanine, an amino acid with highly similar properties. This amino acid position is highly conserved in available vertebrate species. In addition, this alteration is predicted to be deleterious by in silico analysis. Based on the available evidence, the clinical significance of this variant remains unclear.